The following is an entry in ClinVar:

NM_000548.5(TSC2):c.1037T>G (p.Ile346Ser)

Gene: TSC2 (TSC complex subunit 2; plus strand). Cytogenetic location: 16p13.3.
Variant type: single nucleotide variant.
Coding change: c.1037T>G on transcript NM_000548.5 (MANE Select); coding-DNA position 1037, T replaced by G.
Protein change: p.Ile346Ser; replaces isoleucine 346 with serine.
Molecular consequence: missense variant. On other transcripts: non-coding transcript variant (5), 5 prime UTR variant (10).
Genome position (GRCh38, 1-based): chr16:2,060,731, T>G. VCF-style: chr16-2060731-T-G. GRCh37 (hg19) VCF-style: chr16-2110732-T-G.
Other names: c.1037T>G, p.Ile346Ser (NM_001363528.2, NM_001370404.1, NM_001370405.1 and 6 more transcripts); c.1127T>G, p.Ile376Ser (NM_001406667.1, NM_001406668.1); c.926T>G, p.Ile309Ser (NM_001318827.2, NM_001406670.1, NM_001406678.1); c.890T>G, p.Ile297Ser (NM_001318829.2, NM_001406675.1, NM_001406676.1 and 1 more transcripts); c.437T>G, p.Ile146Ser (NM_001318831.2, NM_001406680.1, NM_001406682.1 and 6 more transcripts); c.1070T>G, p.Ile357Ser (NM_001318832.2); c.1025T>G, p.Ile342Ser (NM_001406671.1, NM_001406673.1); c.980T>G, p.Ile327Ser (NM_001406677.1); and 4 more; short protein forms I146S, I309S, I376S, I297S, I327S, I346S, I192S, I342S.
Identifiers: ClinVar variation 4192178 (VCV004192178.1).

ClinVar aggregate classification (germline): Uncertain significance (1 of 4 stars; one submission).

Conditions:
Hereditary cancer-predisposing syndrome. Also called: Neoplastic Syndromes, Hereditary; Tumor predisposition; Hereditary Cancer Syndrome; Hereditary neoplastic syndrome. Identifiers: Orphanet 140162, MedGen C0027672, MeSH D009386, MONDO:0015356.

Submission:

Ambry Genetics
Classification: Uncertain significance for Hereditary cancer-predisposing syndrome. Last evaluated: 2025-08-14. Review status: criteria provided, single submitter. Criteria: Ambry Variant Classification Scheme 2023. Collection method: clinical testing. Allele origin: germline.
Comment: The p.I346S variant (also known as c.1037T>G), located in coding exon 10 of the TSC2 gene, results from a T to G substitution at nucleotide position 1037. The isoleucine at codon 346 is replaced by serine, an amino acid with dissimilar properties. This amino acid position is conserved. In addition, this alteration is predicted to be deleterious by in silico analysis. Based on the available evidence, the clinical significance of this variant remains unclear.